The following is an entry in ClinVar:

ClinVar aggregate classification (germline): Uncertain significance (1 of 4 stars; one submission).

Allele frequency attached by ClinVar (database versions not stated): TOPMed 0.00001; gnomAD 0.00012; 1000 Genomes Project 0.00020; ExAC 0.00020.

Submission:

Labcorp Genetics (formerly Invitae), Labcorp
Classification: Uncertain significance. Last evaluated: 2022-10-05. Review status: criteria provided, single submitter. Criteria: Invitae Variant Classification Sherloc (09022015). Collection method: clinical testing. Allele origin: germline.
Comment: This variant has not been reported in the literature in individuals affected with SEC63-related conditions. In summary, the available evidence is currently insufficient to determine the role of this variant in disease. Therefore, it has been classified as a Variant of Uncertain Significance. Algorithms developed to predict the effect of sequence changes on RNA splicing suggest that this variant may disrupt the consensus splice site. The frequency data for this variant in the population databases is considered unreliable, as metrics indicate poor data quality at this position in the gnomAD database. This sequence change falls in intron 18 of the SEC63 gene. It does not directly change the encoded amino acid sequence of the SEC63 protein.

NM_007214.5(SEC63):c.1936-5T>G

Gene: SEC63 (SEC63 protein translocation regulator; minus strand). Cytogenetic location: 6q21.
Variant type: single nucleotide variant.
Coding change: c.1936-5T>G on transcript NM_007214.5 (MANE Select); 5 bases into the intron before coding-DNA position 1936, T replaced by G.
Molecular consequence: intron variant.
Genome position (GRCh38, 1-based): chr6:107,876,667, A>C on the plus strand (T>G on the coding strand, the complement: SEC63 is on the minus strand). VCF-style: chr6-107876667-A-C. GRCh37 (hg19) VCF-style: chr6-108197871-A-C.
Identifiers: ClinVar variation 1984299 (VCV001984299.4), dbSNP rs200311201, ClinGen allele CA3947199.